The following is an entry in ClinVar:

ClinVar aggregate classification (germline): Uncertain significance (1 of 4 stars; one submission).

Conditions:
Usher syndrome type 3B. Also called: USHER SYNDROME, TYPE IIIB. Identifiers: MedGen C3281066, MONDO:0013788, OMIM 614504.

Submission:

Labcorp Genetics (formerly Invitae), Labcorp
Classification: Uncertain significance for Usher syndrome type 3B. Last evaluated: 2023-04-06. Review status: criteria provided, single submitter. Criteria: Invitae Variant Classification Sherloc (09022015). Collection method: clinical testing. Allele origin: germline.
Comment: In summary, the available evidence is currently insufficient to determine the role of this variant in disease. Therefore, it has been classified as a Variant of Uncertain Significance. Advanced modeling of protein sequence and biophysical properties (such as structural, functional, and spatial information, amino acid conservation, physicochemical variation, residue mobility, and thermodynamic stability) performed at Invitae indicates that this missense variant is not expected to disrupt HARS protein function. This variant has not been reported in the literature in individuals affected with HARS-related conditions. This variant is not present in population databases (gnomAD no frequency). This sequence change replaces glutamic acid, which is acidic and polar, with glutamine, which is neutral and polar, at codon 496 of the HARS protein (p.Glu496Gln).

NM_002109.6(HARS1):c.1486G>C (p.Glu496Gln)

Gene: HARS1 (histidyl-tRNA synthetase 1; minus strand). Cytogenetic location: 5q31.3.
Variant type: single nucleotide variant.
Coding change: c.1486G>C on transcript NM_002109.6 (MANE Select); coding-DNA position 1486, G replaced by C.
Protein change: p.Glu496Gln; replaces glutamic acid 496 with glutamine.
Molecular consequence: missense variant.
Genome position (GRCh38, 1-based): chr5:140,674,301, C>G on the plus strand (G>C on the coding strand, the complement: HARS1 is on the minus strand). VCF-style: chr5-140674301-C-G. GRCh37 (hg19) VCF-style: chr5-140053886-C-G.
Other names: c.1366G>C, p.Glu456Gln (NM_001258040.3); c.1426G>C, p.Glu476Gln (NM_001258041.3); c.1306G>C, p.Glu436Gln (NM_001258042.3); c.1264G>C, p.Glu422Gln (NM_001289092.2); c.1144G>C, p.Glu382Gln (NM_001289093.2); c.1399G>C, p.Glu467Gln (NM_001289094.2); short protein forms E476Q, E496Q, E382Q, E467Q, E436Q, E456Q, E422Q.
Identifiers: ClinVar variation 2852645 (VCV002852645.3), dbSNP rs2481227365, ClinGen allele CA361245631.
Genomic context (GRCh38, chr5:140,674,301, plus strand): 5'-TGATAGTTTGTTCAGTTCAGCAGATGCAGAGGGGCTGGCCTGTTCTCCTTTTGATTTCCT[C>G]CACAAGGTCTTCTCTTCGGACATCCACCTGGCCAGGATGGGAGAAGAAGGTGGTATAAGC-3'
Protein context (NP_002100.2, residues 486-506): EVDVRREDLV[Glu496Gln]EIKRRTGQPL